The following is an entry in ClinVar:

NM_001046.3(SLC12A2):c.877G>A (p.Val293Ile)

Gene: SLC12A2 (solute carrier family 12 member 2; plus strand). Cytogenetic location: 5q23.3.
Variant type: single nucleotide variant.
Coding change: c.877G>A on transcript NM_001046.3 (MANE Select); coding-DNA position 877, G replaced by A.
Protein change: p.Val293Ile; replaces valine 293 with isoleucine.
Molecular consequence: missense variant. On other transcripts: non-coding transcript variant (1).
Genome position (GRCh38, 1-based): chr5:128,114,212, G>A. VCF-style: chr5-128114212-G-A. GRCh37 (hg19) VCF-style: chr5-127449904-G-A.
Other names: c.877G>A, p.Val293Ile (NM_001256461.2); c.877G>A (NM_001046.2); short protein forms V293I.
Identifiers: ClinVar variation 3236404 (VCV003236404.3), dbSNP rs1761261965, ClinGen allele CA360738077.

ClinVar aggregate classification (germline): Uncertain significance. Review status: criteria provided, multiple submitters, no conflicts (2 of 4 stars). 2 submissions from 2 submitters: Uncertain significance (2). Last evaluated 2025-09-24.

Conditions:
Delpire-McNeill syndrome. Also called: SLC12A2-related autosomal dominant infantile-developmental delay-intellectual disability-sensorineural deafness syndrome. Identifiers: Orphanet 633024, MedGen C5436771, MONDO:0033667, OMIM 619083.
Inborn genetic diseases. Identifiers: MedGen C0950123, MeSH D030342.

Allele frequency attached by ClinVar (database versions not stated): gnomAD 0.00001.

Submissions (2):

Ambry Genetics
Classification: Uncertain significance for Inborn genetic diseases. Last evaluated: 2025-09-24. Review status: criteria provided, single submitter. Criteria: Ambry Variant Classification Scheme 2023. Collection method: clinical testing. Allele origin: germline.

Neuberg Centre For Genomic Medicine, NCGM
Classification: Uncertain significance for Delpire-McNeill syndrome. Review status: criteria provided, single submitter. Criteria: ACMG Guidelines, 2015. Collection method: clinical testing. Allele origin: germline. Inheritance: Autosomal dominant inheritance. Affected: yes.
Comment: The missense c.877G>A p.Val293Ile variant in SLC12A2 gene has not been reported previously as a pathogenic variant nor as a benign variant, to our knowledge. The p.Val293Ile variant is novel not in any individuals in gnomAD Exomes and 1000 Genomes. This variant has not been reported to the ClinVar database. The amino acid change p.Val293Ile in SLC12A2 is predicted as conserved by GERP++ and PhyloP across 100 vertebrates. The amino acid Val at position 293 is changed to a Ile changing protein sequence and it might alter its composition and physico-chemical properties. For these reasons, this variant has been classified as Variant of Uncertain Significance VUS.